The following is an entry in ClinVar:

NM_007294.4(BRCA1):c.226A>T (p.Ser76Cys)

Gene: BRCA1 (BRCA1 DNA repair associated; minus strand). Cytogenetic location: 17q21.31.
Variant type: single nucleotide variant.
Coding change: c.226A>T on transcript NM_007294.4 (MANE Select); coding-DNA position 226, A replaced by T.
Protein change: p.Ser76Cys; replaces serine 76 with cysteine.
Molecular consequence: missense variant. On other transcripts: non-coding transcript variant (1).
Genome position (GRCh38, 1-based): chr17:43,104,943, T>A on the plus strand (A>T on the coding strand, the complement: BRCA1 is on the minus strand). VCF-style: chr17-43104943-T-A. GRCh37 (hg19) VCF-style: chr17-41256960-T-A.
Other names: c.16A>T, p.Ser6Cys (NM_001407571.1, NM_001407853.1, NM_001407879.1 and 58 more transcripts); c.226A>T, p.Ser76Cys (NM_001407581.1, NM_001407582.1, NM_001407583.1 and 168 more transcripts); c.148A>T, p.Ser50Cys (NM_001407653.1, NM_001407654.1, NM_001407655.1 and 21 more transcripts); c.85A>T, p.Ser29Cys (NM_001407692.1, NM_001407694.1, NM_001407695.1 and 99 more transcripts); c.-156A>T (NM_001407959.1, NM_001407960.1, NM_001407962.1 and 4 more transcripts); c.94A>T, p.Ser32Cys (NM_001408451.1); short protein forms S76C, S29C, S32C, S50C, S6C.
Identifiers: ClinVar variation 867986 (VCV000867986.3), dbSNP rs2054695336, ClinGen allele CA10601708.

Conditions:
Breast-ovarian cancer, familial, susceptibility to, 1 (BROVCA1). Also called: BRCA1 Hereditary Breast and Ovarian Cancer; OVARIAN CANCER, SUSCEPTIBILITY TO. Identifiers: Orphanet 145, MedGen C2676676, MONDO:0011450, OMIM 604370. Disease mechanism: loss of function.

Submission:

Brotman Baty Institute, University of Washington
No classification provided (evidence only). Condition: Breast-ovarian cancer, familial 1. Review status: no classification provided. Collection method: in vitro. Allele origin: not applicable. Functional consequence: functionally_normal.
ClinVar note: "not provided" was previously submitted as the classification for the variant. However, the classification appeared to be based only on an observation of functional data so it was converted to no classification on 2025-07-30.